The following is an entry in ClinVar:

ClinVar aggregate classification (germline): Uncertain significance (1 of 4 stars; one submission).

Allele frequency attached by ClinVar (database versions not stated): gnomAD exomes below 0.00001; TOPMed 0.00001.
gnomAD v4.1: 1 of 1,597,370 alleles (0.000063%); highest among the groups gnomAD compares: Non-Finnish European, 0.000086%; no homozygotes.

Submission:

Labcorp Genetics (formerly Invitae), Labcorp
Classification: Uncertain significance. Last evaluated: 2022-05-20. Review status: criteria provided, single submitter. Criteria: Invitae Variant Classification Sherloc (09022015). Collection method: clinical testing. Allele origin: germline.
Comment: In summary, the available evidence is currently insufficient to determine the role of this variant in disease. Therefore, it has been classified as a Variant of Uncertain Significance. Algorithms developed to predict the effect of missense changes on protein structure and function (SIFT, PolyPhen-2, Align-GVGD) all suggest that this variant is likely to be disruptive. This variant has not been reported in the literature in individuals affected with PIGP-related conditions. This variant is not present in population databases (gnomAD no frequency). This sequence change replaces leucine, which is neutral and non-polar, with serine, which is neutral and polar, at codon 82 of the PIGP protein (p.Leu82Ser).

NM_153682.3(PIGP):c.173T>C (p.Leu58Ser)

Gene: PIGP (phosphatidylinositol glycan anchor biosynthesis class P; minus strand). Cytogenetic location: 21q22.13.
Variant type: single nucleotide variant.
Coding change: c.173T>C on transcript NM_153682.3 (MANE Select); coding-DNA position 173, T replaced by C.
Protein change: p.Leu58Ser; replaces leucine 58 with serine.
Molecular consequence: missense variant.
Genome position (GRCh38, 1-based): chr21:37,067,363, A>G on the plus strand (T>C on the coding strand, the complement: PIGP is on the minus strand). VCF-style: chr21-37067363-A-G. GRCh37 (hg19) VCF-style: chr21-38439663-A-G.
Other names: c.173T>C, p.Leu58Ser (NM_001320480.2); c.95T>C, p.Leu32Ser (NM_016430.4); c.245T>C, p.Leu82Ser (NM_153681.2); short protein forms L58S, L82S, L32S.
Identifiers: ClinVar variation 1996782 (VCV001996782.4), dbSNP rs1358519822, ClinGen allele CA409919596.
Genomic context (GRCh38, chr21:37,067,363, plus strand): 5'-ATGTTAATCCCAAACAAGAGCACGTAGCCAATTACTATAGCAATAAGGAGGTAGACAGGT[A>G]ATGCAACTGCCCAATATCTGCCAAAGAGAATATTAAAGTACATAATAGACACTTTAAAAA-3'
Protein context (NP_710149.1, residues 48-68): YWPQKYWAVA[Leu58Ser]PVYLLIAIVI